The following is an entry in ClinVar:

ClinVar aggregate classification (germline): Uncertain significance (1 of 4 stars; one submission).

Conditions:
Neurodevelopmental disorder with language impairment and behavioral abnormalities. Also called: GRIA2-related neurodevelopmental disorder. Identifiers: MedGen C5394502, MONDO:0030060, OMIM 618917.

gnomAD v4.1: 1 of 1,611,024 alleles (0.000062%); highest among the groups gnomAD compares: Non-Finnish European, 0.000085%; no homozygotes.

Submission:

Institute of Human Genetics, University of Leipzig Medical Center
Classification: Uncertain significance for Neurodevelopmental disorder with language impairment and behavioral abnormalities. Last evaluated: 2024-09-18. Review status: criteria provided, single submitter. Criteria: ACMG Guidelines, 2015. Collection method: clinical testing. Allele origin: paternal. Inheritance: Autosomal dominant inheritance. Affected: yes.
Comment: Criteria applied: PM2_SUP,PP3

NM_001083619.3(GRIA2):c.518G>T (p.Trp173Leu)

Gene: GRIA2 (glutamate ionotropic receptor AMPA type subunit 2; plus strand). Cytogenetic location: 4q32.1.
Variant type: single nucleotide variant.
Coding change: c.518G>T on transcript NM_001083619.3 (MANE Select); coding-DNA position 518, G replaced by T.
Protein change: p.Trp173Leu; replaces tryptophan 173 with leucine.
Molecular consequence: missense variant.
Genome position (GRCh38, 1-based): chr4:157,312,727, G>T. VCF-style: chr4-157312727-G-T. GRCh37 (hg19) VCF-style: chr4-158233879-G-T.
Other names: c.518G>T, p.Trp173Leu (NM_000826.6); c.377G>T, p.Trp126Leu (NM_001083620.3, NM_001379000.3, NM_001379001.3); short protein forms W126L, W173L.
Identifiers: ClinVar variation 3359146 (VCV003359146.2).